The following is an entry in ClinVar:

NM_003403.5(YY1):c.838G>T (p.Ala280Ser)

Gene: YY1 (YY1 transcription factor; plus strand). Cytogenetic location: 14q32.2.
Variant type: single nucleotide variant.
Coding change: c.838G>T on transcript NM_003403.5 (MANE Select); coding-DNA position 838, G replaced by T.
Protein change: p.Ala280Ser; replaces alanine 280 with serine.
Molecular consequence: missense variant.
Genome position (GRCh38, 1-based): chr14:100,262,462, G>T. VCF-style: chr14-100262462-G-T. GRCh37 (hg19) VCF-style: chr14-100728799-G-T.
Other names: short protein forms A280S.
Identifiers: ClinVar variation 3235840 (VCV003235840.1), dbSNP rs2549134912, ClinGen allele CA390967563.

ClinVar aggregate classification (germline): Uncertain significance (1 of 4 stars; one submission).

Submission:

Greenwood Genetic Center Diagnostic Laboratories, Greenwood Genetic Center
Classification: Uncertain significance. Last evaluated: 2024-01-19. Review status: criteria provided, single submitter. Criteria: ACMG Guidelines, 2015. Collection method: clinical testing. Allele origin: germline. Affected: yes.
Comment: PM2, PP2